The following is an entry in ClinVar:

ClinVar aggregate classification (germline): Uncertain significance (1 of 4 stars; one submission).

Conditions:
Developmental and epileptic encephalopathy, 11 (DEE11). Also called: Early infantile epileptic encephalopathy 11. Identifiers: Orphanet 1934, MedGen C3150987, MONDO:0013388, OMIM 613721.
Seizures, benign familial infantile, 3 (BFIS3). Also called: CONVULSIONS, BENIGN FAMILIAL INFANTILE, 3; Familial neonatal seizures. Identifiers: Orphanet 140927, Orphanet 306, MedGen C1843140, MONDO:0011904, OMIM 607745.

Submission:

Labcorp Genetics (formerly Invitae), Labcorp
Classification: Uncertain significance for Seizures, benign familial infantile, 3; Developmental and epileptic encephalopathy, 11. Last evaluated: 2025-03-19. Review status: criteria provided, single submitter. Criteria: Invitae Variant Classification Sherloc (09022015). Collection method: clinical testing. Allele origin: germline.
Comment: This sequence change replaces valine, which is neutral and non-polar, with alanine, which is neutral and non-polar, at codon 752 of the SCN2A protein (p.Val752Ala). This variant is not present in population databases (gnomAD no frequency). This variant has not been reported in the literature in individuals affected with SCN2A-related conditions. Invitae Evidence Modeling of protein sequence and biophysical properties (such as structural, functional, and spatial information, amino acid conservation, physicochemical variation, residue mobility, and thermodynamic stability) indicates that this missense variant is expected to disrupt SCN2A protein function with a positive predictive value of 95%. In summary, the available evidence is currently insufficient to determine the role of this variant in disease. Therefore, it has been classified as a Variant of Uncertain Significance.

NM_001040142.2(SCN2A):c.2255T>C (p.Val752Ala)

Gene: SCN2A (sodium voltage-gated channel alpha subunit 2; plus strand). Cytogenetic location: 2q24.3.
Variant type: single nucleotide variant.
Coding change: c.2255T>C on transcript NM_001040142.2 (MANE Select); coding-DNA position 2255, T replaced by C.
Protein change: p.Val752Ala; replaces valine 752 with alanine.
Molecular consequence: missense variant.
Genome position (GRCh38, 1-based): chr2:165,331,435, T>C. VCF-style: chr2-165331435-T-C. GRCh37 (hg19) VCF-style: chr2-166187945-T-C.
Other names: c.2255T>C, p.Val752Ala (NM_001040143.2, NM_001371246.1, NM_001371247.1 and 1 more transcripts); short protein forms V752A.
Identifiers: ClinVar variation 4789338 (VCV004789338.1).